The following is an entry in ClinVar:

NM_001366385.1(CARD14):c.963+9dup

Gene: CARD14 (caspase recruitment domain family member 14; plus strand). Cytogenetic location: 17q25.3.
Variant type: Duplication.
Coding change: c.963+9dup on transcript NM_001366385.1 (MANE Select); 9 bases into the intron after coding-DNA position 963, one base duplicated (T; older notation c.963+9dupT).
Molecular consequence: intron variant.
Genome position (GRCh38, 1-based): chr17:80,189,881, T duplicated. VCF-style (leftmost placement, unchanged base first): chr17-80189880-G-GT. GRCh37 (hg19) VCF-style: chr17-78163679-G-GT.
Other names: c.963+9dup (NM_024110.4, NM_001257970.1); c.252+9dup (NM_052819.3).
Identifiers: ClinVar variation 1963810 (VCV001963810.5), dbSNP rs2510631037, ClinGen allele CA2580095290.

ClinVar aggregate classification (germline): Uncertain significance (1 of 4 stars; one submission).

Conditions:
Psoriasis 2. Identifiers: MedGen C1864497, MONDO:0011269, OMIM 602723.
Pityriasis rubra pilaris (PRP). Also called: Pityriasis rubra pilaris--familial type. Identifiers: Orphanet 2897, MedGen C0032027, MONDO:0100017, OMIM 173200, MONDO:0008251.

Allele frequency attached by ClinVar (database versions not stated): gnomAD exomes below 0.00001.

Submission:

Labcorp Genetics (formerly Invitae), Labcorp
Classification: Uncertain significance for Pityriasis rubra pilaris; Psoriasis 2. Last evaluated: 2022-07-21. Review status: criteria provided, single submitter. Criteria: Invitae Variant Classification Sherloc (09022015). Collection method: clinical testing. Allele origin: germline.
Comment: In summary, the available evidence is currently insufficient to determine the role of this variant in disease. Therefore, it has been classified as a Variant of Uncertain Significance. Algorithms developed to predict the effect of sequence changes on RNA splicing suggest that this variant may disrupt the consensus splice site. This variant has not been reported in the literature in individuals affected with CARD14-related conditions. This variant is not present in population databases (gnomAD no frequency). This sequence change falls in intron 6 of the CARD14 gene. It does not directly change the encoded amino acid sequence of the CARD14 protein.